The following is an entry in ClinVar:

ClinVar aggregate classification (germline): Uncertain significance. Review status: criteria provided, multiple submitters, no conflicts (2 of 4 stars). 4 submissions from 4 submitters: Uncertain significance (4). Last evaluated 2025-07-03.

Conditions:
Fetal akinesia deformation sequence 1 (FADS1). Also called: Pena-Shokeir syndrome type I; Fetal akinesia sequence. Identifiers: Orphanet 994, MedGen C1276035, MONDO:0100101, OMIM 208150, HP:0001989.
Congenital myasthenic syndrome 10. Also called: Myasthenia, limb-girdle, familial. Identifiers: Orphanet 590, MedGen C1850792, MONDO:0009690, OMIM 254300.

Allele frequency attached by ClinVar (database versions not stated): gnomAD exomes 0.00001 and 0.00003; gnomAD 0.00003 and 0.00004; TOPMed 0.00003; ExAC 0.00007; ESP Exome Variant Server 0.00008.
gnomAD v4.1: 25 of 1,594,576 alleles (0.0016%); highest among the groups gnomAD compares: African/African-American, 0.0067%; no homozygotes.

Submissions (4):

GeneDx
Classification: Uncertain significance. Last evaluated: 2025-07-03. Review status: criteria provided, single submitter. Criteria: GeneDx Variant Classification Process June 2021. Collection method: clinical testing. Allele origin: germline. Affected: yes.
Comment: In silico analysis supports that this missense variant has a deleterious effect on protein structure/function; Has not been previously published as pathogenic or benign to our knowledge; This variant is associated with the following publications: (PMID: 20012313, 20603078, 26198629)

Labcorp Genetics (formerly Invitae), Labcorp
Classification: Uncertain significance for Congenital myasthenic syndrome 10; Fetal akinesia deformation sequence 1. Last evaluated: 2021-08-31. Review status: criteria provided, single submitter. Criteria: Invitae Variant Classification Sherloc (09022015). Collection method: clinical testing. Allele origin: germline.
Comment: This sequence change replaces arginine with glutamine at codon 103 of the DOK7 protein (p.Arg103Gln). The arginine residue is highly conserved and there is a small physicochemical difference between arginine and glutamine. This variant is present in population databases (rs377554325, ExAC 0.05%). This missense change has been observed in individual(s) with clinical features of DOK7-related conditions (PMID: 21520333). ClinVar contains an entry for this variant (Variation ID: 548006). Algorithms developed to predict the effect of missense changes on protein structure and function are either unavailable or do not agree on the potential impact of this missense change (SIFT: "Deleterious"; PolyPhen-2: "Probably Damaging"; Align-GVGD: "Class C0"). Algorithms developed to predict the effect of sequence changes on RNA splicing suggest that this variant may create or strengthen a splice site. In summary, the available evidence is currently insufficient to determine the role of this variant in disease. Therefore, it has been classified as a Variant of Uncertain Significance.

Revvity Omics, Revvity
Classification: Uncertain significance. Last evaluated: 2019-12-28. Review status: criteria provided, single submitter. Criteria: ACMG Guidelines, 2015. Collection method: clinical testing. Allele origin: germline.

Mayo Clinic Laboratories, Mayo Clinic
Classification: Uncertain significance for Congenital myasthenic syndrome 10. Last evaluated: 2017-09-21. Review status: criteria provided, single submitter. Criteria: ACMG Guidelines, 2015. Collection method: clinical testing. Allele origin: paternal.

Literature cited by the submitters: PubMed 21520333 (cited by Labcorp Genetics (formerly Invitae), Labcorp).

NM_173660.5(DOK7):c.308G>A (p.Arg103Gln)

Gene: DOK7 (docking protein 7; plus strand). Cytogenetic location: 4p16.3.
Variant type: single nucleotide variant.
Coding change: c.308G>A on transcript NM_173660.5 (MANE Select); coding-DNA position 308, G replaced by A.
Protein change: p.Arg103Gln; replaces arginine 103 with glutamine.
Molecular consequence: missense variant. On other transcripts: intron variant (1).
Genome position (GRCh38, 1-based): chr4:3,473,613, G>A. VCF-style: chr4-3473613-G-A. GRCh37 (hg19) VCF-style: chr4-3475340-G-A.
Other names: c.308G>A, p.Arg103Gln (NM_001164673.2, NM_001301071.2); c.100+10062G>A (NM_001363811.2); short protein forms R103Q.
Identifiers: ClinVar variation 548006 (VCV000548006.15), dbSNP rs377554325, ClinGen allele CA2828926.